The following is an entry in ClinVar:

NM_152393.4(KLHL40):c.1558G>A (p.Asp520Asn)

Gene: KLHL40 (kelch like family member 40; plus strand). Cytogenetic location: 3p22.1.
Variant type: single nucleotide variant.
Coding change: c.1558G>A on transcript NM_152393.4 (MANE Select); coding-DNA position 1558, G replaced by A.
Protein change: p.Asp520Asn; replaces aspartic acid 520 with asparagine.
Molecular consequence: missense variant.
Genome position (GRCh38, 1-based): chr3:42,689,005, G>A. VCF-style: chr3-42689005-G-A. GRCh37 (hg19) VCF-style: chr3-42730497-G-A.
Other names: c.1558G>A (NM_152393.2); short protein forms D520N.
Identifiers: ClinVar variation 1005232 (VCV001005232.4), dbSNP rs755836871, ClinGen allele CA2337006.

ClinVar aggregate classification (germline): Uncertain significance. Review status: criteria provided, multiple submitters, no conflicts (2 of 4 stars). 2 submissions from 2 submitters: Uncertain significance (2). Last evaluated 2024-01-03.

Conditions:
Inborn genetic diseases. Identifiers: MedGen C0950123, MeSH D030342.
Nemaline myopathy 8 (NEM8). Also called: Nemaline myopathy 8, autosomal recessive. Identifiers: Orphanet 171430, MedGen C3809209, MONDO:0014138, OMIM 615348.

Allele frequency attached by ClinVar (database versions not stated): ExAC 0.00001; gnomAD exomes 0.00001 and 0.00004; TOPMed 0.00002; gnomAD 0.00004.
gnomAD v4.1: 58 of 1,614,004 alleles (0.0036%); highest among the groups gnomAD compares: Non-Finnish European, 0.0047%; no homozygotes.

Submissions (2):

Ambry Genetics
Classification: Uncertain significance for Inborn genetic diseases. Last evaluated: 2024-01-03. Review status: criteria provided, single submitter. Criteria: Ambry Variant Classification Scheme 2023. Collection method: clinical testing. Allele origin: germline.

Labcorp Genetics (formerly Invitae), Labcorp
Classification: Uncertain significance for Nemaline myopathy 8. Last evaluated: 2020-08-14. Review status: criteria provided, single submitter. Criteria: Invitae Variant Classification Sherloc (09022015). Collection method: clinical testing. Allele origin: germline.
Comment: This variant has not been reported in the literature in individuals with KLHL40-related conditions. In summary, the available evidence is currently insufficient to determine the role of this variant in disease. Therefore, it has been classified as a Variant of Uncertain Significance. Algorithms developed to predict the effect of missense changes on protein structure and function output the following: SIFT: "Tolerated"; PolyPhen-2: "Benign"; Align-GVGD: "Class C0". The asparagine amino acid residue is found in multiple mammalian species, suggesting that this missense change does not adversely affect protein function. These predictions have not been confirmed by published functional studies and their clinical significance is uncertain. This variant is present in population databases (rs755836871, ExAC 0.002%). This sequence change replaces aspartic acid with asparagine at codon 520 of the KLHL40 protein (p.Asp520Asn). The aspartic acid residue is moderately conserved and there is a small physicochemical difference between aspartic acid and asparagine.